The following is an entry in ClinVar:

ClinVar aggregate classification (germline): Conflicting classifications of pathogenicity. Review status: criteria provided, conflicting classifications (1 of 4 stars). 2 submissions from 2 submitters: Uncertain significance (1); Likely benign (1). Last evaluated 2024-04-09.

Submissions (2):

Women's Health and Genetics/Laboratory Corporation of America, LabCorp
Classification: Uncertain significance. Last evaluated: 2024-04-09. Review status: criteria provided, single submitter. Criteria: LabCorp Variant Classification Summary - May 2015. Collection method: clinical testing. Allele origin: germline.
Comment: Variant summary: GRIA3 c.1293+8_1293+24del17 alters nucleotides located close to a canonical splice site and therefore could affect mRNA splicing, leading to a significantly altered protein sequence. Consensus agreement among computation tools predict no significant impact on normal splicing. However, these predictions have yet to be confirmed by functional studies. The variant allele was found at a frequency of 5.5e-06 in 182964 control chromosomes. The available data on variant occurrences in the general population are insufficient to allow any conclusion about variant significance. To our knowledge, no occurrence of c.1293+8_1293+24del17 in individuals affected with Syndromic X-Linked Intellectual Disability 94 and no experimental evidence demonstrating its impact on protein function have been reported. ClinVar contains an entry for this variant (Variation ID: 1625397). Based on the evidence outlined above, the variant was classified as uncertain significance.

Labcorp Genetics (formerly Invitae), Labcorp
Classification: Likely benign. Last evaluated: 2024-02-09. Review status: criteria provided, single submitter. Criteria: Invitae Variant Classification Sherloc (09022015). Collection method: clinical testing. Allele origin: germline.

NM_007325.5(GRIA3):c.1293+8_1293+24del

Gene: GRIA3 (glutamate ionotropic receptor AMPA type subunit 3; plus strand). Cytogenetic location: Xq25.
Variant type: Deletion.
Coding change: c.1293+8_1293+24del on transcript NM_007325.5 (MANE Select); bases 8 to 24 of the intron after coding-DNA position 1293, 17 bases deleted (TGAACAGAAGGTAGGTG).
Molecular consequence: intron variant.
Genome position (GRCh38, 1-based): chrX:123,403,527-123,403,543, TGAACAGAAGGTAGGTG deleted; deleting any 17 consecutive bases within chrX:123,403,524-123,403,543 gives the same sequence; the c. name uses the placement nearest the transcript's 3' end. VCF-style (leftmost placement, unchanged base first): chrX-123403523-AGTGTGAACAGAAGGTAG-A. GRCh37 (hg19) VCF-style: chrX-122537374-AGTGTGAACAGAAGGTAG-A.
Other names: c.1293+8_1293+24del17 (NM_007325.5); c.1293+8_1293+24del (NM_000828.5).
Identifiers: ClinVar variation 1625397 (VCV001625397.9), dbSNP rs1351256820, ClinGen allele CA644251285.